The following is an entry in ClinVar:

NM_021098.3(CACNA1H):c.3467G>C (p.Arg1156Pro)

Gene: CACNA1H (calcium voltage-gated channel subunit alpha1 H; plus strand). Cytogenetic location: 16p13.3.
Variant type: single nucleotide variant.
Coding change: c.3467G>C on transcript NM_021098.3 (MANE Select); coding-DNA position 3467, G replaced by C.
Protein change: p.Arg1156Pro; replaces arginine 1156 with proline.
Molecular consequence: missense variant.
Genome position (GRCh38, 1-based): chr16:1,209,135, G>C. VCF-style: chr16-1209135-G-C. GRCh37 (hg19) VCF-style: chr16-1259135-G-C.
Other names: c.3467G>C, p.Arg1156Pro (NM_001005407.2); short protein forms R1156P.
Identifiers: ClinVar variation 1959771 (VCV001959771.5), dbSNP rs369475886, ClinGen allele CA394173629.
Genomic context (GRCh38, chr16:1,209,135, plus strand): 5'-GCGCCTGGAGCAGCCGGCGCTCCAGCTGGAGCAGCCTGGGCCGTGCCCCCAGCCTCAAGC[G>C]CCGCGGCCAGTGTGGGGAACGTGAGTCCCTGCTGTCTGGCGAGGGCAAGGGCAGCACCGA-3'
Protein context (NP_066921.2, residues 1146-1166): SSLGRAPSLK[Arg1156Pro]RGQCGERESL

ClinVar aggregate classification (germline): Uncertain significance (1 of 4 stars; one submission).

Conditions:
Idiopathic generalized epilepsy. Also called: EIG; Generalised epilepsy. Identifiers: MedGen C0270850, MONDO:0005579, OMIM 600669.
Hyperaldosteronism, familial, type IV (HALD4). Also called: FH IV; ALDOSTERONISM, PRIMARY, AND HYPERTENSION. Identifiers: Orphanet 642671, MedGen C4310756, MONDO:0014875, OMIM 617027.

Submission:

Labcorp Genetics (formerly Invitae), Labcorp
Classification: Uncertain significance for Idiopathic generalized epilepsy; Hyperaldosteronism, familial, type IV. Last evaluated: 2024-05-06. Review status: criteria provided, single submitter. Criteria: Invitae Variant Classification Sherloc (09022015). Collection method: clinical testing. Allele origin: germline.
Comment: This sequence change replaces arginine, which is basic and polar, with proline, which is neutral and non-polar, at codon 1156 of the CACNA1H protein (p.Arg1156Pro). This variant is not present in population databases (gnomAD no frequency). This variant has not been reported in the literature in individuals affected with CACNA1H-related conditions. ClinVar contains an entry for this variant (Variation ID: 1959771). Advanced modeling of protein sequence and biophysical properties (such as structural, functional, and spatial information, amino acid conservation, physicochemical variation, residue mobility, and thermodynamic stability) has been performed at Invitae for this missense variant, however the output from this modeling did not meet the statistical confidence thresholds required to predict the impact of this variant on CACNA1H protein function. In summary, the available evidence is currently insufficient to determine the role of this variant in disease. Therefore, it has been classified as a Variant of Uncertain Significance.